The following is an entry in ClinVar:

NM_001999.4(FBN2):c.5690T>C (p.Leu1897Ser)

Gene: FBN2 (fibrillin 2; minus strand). Cytogenetic location: 5q23.3.
Variant type: single nucleotide variant.
Coding change: c.5690T>C on transcript NM_001999.4 (MANE Select); coding-DNA position 5690, T replaced by C.
Protein change: p.Leu1897Ser; replaces leucine 1897 with serine.
Molecular consequence: missense variant.
Genome position (GRCh38, 1-based): chr5:128,305,067, A>G on the plus strand (T>C on the coding strand, the complement: FBN2 is on the minus strand). VCF-style: chr5-128305067-A-G. GRCh37 (hg19) VCF-style: chr5-127640759-A-G.
Other names: short protein forms L1897S.
Identifiers: ClinVar variation 2760579 (VCV002760579.3), dbSNP rs1581202826, ClinGen allele CA360740077.

ClinVar aggregate classification (germline): Uncertain significance (1 of 4 stars; one submission).

Conditions:
Congenital contractural arachnodactyly (CCA). Also called: BEALS SYNDROME; Beals-Hecht syndrome; Arthrogryposis, distal, type 9. Identifiers: Orphanet 115, MedGen C0220668, MONDO:0007363, OMIM 121050.

Submission:

Labcorp Genetics (formerly Invitae), Labcorp
Classification: Uncertain significance for Congenital contractural arachnodactyly. Last evaluated: 2023-07-26. Review status: criteria provided, single submitter. Criteria: Invitae Variant Classification Sherloc (09022015). Collection method: clinical testing. Allele origin: germline.
Comment: This sequence change replaces leucine, which is neutral and non-polar, with serine, which is neutral and polar, at codon 1897 of the FBN2 protein (p.Leu1897Ser). This variant is not present in population databases (gnomAD no frequency). This variant has not been reported in the literature in individuals affected with FBN2-related conditions. Advanced modeling of protein sequence and biophysical properties (such as structural, functional, and spatial information, amino acid conservation, physicochemical variation, residue mobility, and thermodynamic stability) performed at Invitae indicates that this missense variant is not expected to disrupt FBN2 protein function. In summary, the available evidence is currently insufficient to determine the role of this variant in disease. Therefore, it has been classified as a Variant of Uncertain Significance.